The following is an entry in ClinVar:

ClinVar aggregate classification (germline): Pathogenic (1 of 4 stars; one submission).

Submission:

GeneDx
Classification: Pathogenic. Last evaluated: 2026-10-13. Review status: criteria provided, single submitter. Criteria: GeneDx Variant Classification Process June 2021. Collection method: clinical testing. Allele origin: germline.
Comment: Canonical splice site variant predicted to result in a null allele in a gene for which loss of function is a known mechanism of disease; Not observed at significant frequency in large population cohorts (gnomAD); Has not been previously published as pathogenic or benign to our knowledge

NM_014921.5(ADGRL1):c.3424-2del

Genes: ADGRL1 (adhesion G protein-coupled receptor L1; minus strand), ADGRL1-AS1 (ADGRL1 antisense RNA 1; plus strand). Cytogenetic location: 19p13.12.
Variant type: Deletion.
Coding change: c.3424-2del on transcript NM_014921.5 (MANE Select); the canonical splice acceptor site of the intron before coding-DNA position 3424, one base deleted (A; older notation c.3424-2delA).
Molecular consequence: splice acceptor variant.
Genome position (GRCh38, 1-based): chr19:14,152,615, T deleted on the plus strand (A on the coding strand, the reverse complement: ADGRL1 is on the minus strand). VCF-style (leftmost placement, unchanged base first): chr19-14152614-CT-C. GRCh37 (hg19) VCF-style: chr19-14263426-CT-C.
Other names: c.3439-2del (NM_001008701.3).
Identifiers: ClinVar variation 4975050 (VCV004975050.2).